The following is an entry in ClinVar:

ClinVar aggregate classification (germline): Uncertain significance (1 of 4 stars; one submission).

Conditions:
SEMA3E-related disorder. Also called: SEMA3E-related condition.

Submission:

PreventionGenetics, part of Exact Sciences
Classification: Uncertain significance for SEMA3E-related condition. Last evaluated: 2025-06-12. Review status: criteria provided, single submitter. Criteria: ACMG Guidelines, 2015. Collection method: clinical testing. Allele origin: germline.
Comment: The SEMA3E c.1500+1G>A variant is predicted to disrupt the GT donor site and interfere with normal splicing. To our knowledge, this variant has not been reported in the literature or in a large population database (gnomAD), indicating this variant is rare. Few chain-terminating variants in SEMA3E are reported and loss of function has not been conclusively established as a mechanism for SEMA3E-related disorders. At this time, the clinical significance of this variant is uncertain due to the absence of conclusive functional and genetic evidence.

NM_012431.3(SEMA3E):c.1500+1G>A

Gene: SEMA3E (semaphorin 3E; minus strand). Cytogenetic location: 7q21.11.
Variant type: single nucleotide variant.
Coding change: c.1500+1G>A on transcript NM_012431.3 (MANE Select); the canonical splice donor site of the intron after coding-DNA position 1500, G replaced by A.
Molecular consequence: splice donor variant.
Genome position (GRCh38, 1-based): chr7:83,394,296, C>T on the plus strand (G>A on the coding strand, the complement: SEMA3E is on the minus strand). VCF-style: chr7-83394296-C-T. GRCh37 (hg19) VCF-style: chr7-83023612-C-T.
Other names: c.1320+1G>A (NM_001178129.2).
Identifiers: ClinVar variation 4998124 (VCV004998124.1).
Genomic context (GRCh38, chr7:83,394,296, plus strand): 5'-ACCTTACCTTAGCTCACATATAGAACACACACACCTACACACACACACACACAGAACTTA[C>T]CCGCTTTGAAGAAATCTCCATAGAAATAATAGGAACTGGATCCTGAAATTTTAAAAAAGT-3'